The following is an entry in ClinVar:

ClinVar aggregate classification (germline): Conflicting classifications of pathogenicity. Review status: criteria provided, conflicting classifications (1 of 4 stars). 2 submissions from 2 submitters: Likely pathogenic (1); Uncertain significance (1). Last evaluated 2019-05-28.

Conditions:
Amyloidosis, primary localized cutaneous, 1. Also called: AMYLOIDOSIS IX; Lichen amyloidosis familial; Amyloidosis 9; AMYLOIDOSIS, PRIMARY CUTANEOUS, 1. Identifiers: Orphanet 353220, MedGen C4551501, MONDO:0024522, OMIM 105250.

Allele frequency attached by ClinVar (database versions not stated): ESP Exome Variant Server 0.00008; TOPMed 0.00029; gnomAD 0.00034 and 0.00044; ExAC 0.00077; gnomAD exomes 0.00091; 1000 Genomes Project 30x 0.00250; 1000 Genomes Project 0.00260.

Submissions (2):

Mendelics
Classification: Uncertain significance for Amyloidosis, primary localized cutaneous, 1. Last evaluated: 2019-05-28. Review status: criteria provided, single submitter. Criteria: Mendelics Assertion Criteria 2017. Collection method: clinical testing. Allele origin: unknown.

Department of Traditional Chinese Medicine, Fujian Provincial Hospital
Classification: Likely pathogenic for Amyloidosis, primary localized cutaneous, 1. Review status: criteria provided, single submitter. Criteria: ACMG Guidelines, 2015. Collection method: research. Allele origin: inherited.
Comment: PS4: It has been reported in the literature that this variant is detected in related patients. (PMID: 25792357, 31180159, 30734345, 30740762, 29419851) PP1: Variants co-segregate with disease families. (PMID: 25792357) PP3Moderate: Multiple statistical methods predict that this variant can cause deleterious effects on genes or gene products, with a Revel value = 0.857.

Literature cited by the submitters: PubMed 25792357 (cited by Department of Traditional Chinese Medicine, Fujian Provincial Hospital); PubMed 31180159 (cited by Department of Traditional Chinese Medicine, Fujian Provincial Hospital); PubMed 30734345 (cited by Department of Traditional Chinese Medicine, Fujian Provincial Hospital); PubMed 30740762 (cited by Department of Traditional Chinese Medicine, Fujian Provincial Hospital); PubMed 29419851 (cited by Department of Traditional Chinese Medicine, Fujian Provincial Hospital).

NM_003999.3(OSMR):c.1538G>A (p.Gly513Asp)

Gene: OSMR (oncostatin M receptor; plus strand). Cytogenetic location: 5p13.1.
Variant type: single nucleotide variant.
Coding change: c.1538G>A on transcript NM_003999.3 (MANE Select); coding-DNA position 1538, G replaced by A.
Protein change: p.Gly513Asp; replaces glycine 513 with aspartic acid.
Molecular consequence: missense variant.
Genome position (GRCh38, 1-based): chr5:38,919,015, G>A. VCF-style: chr5-38919015-G-A. GRCh37 (hg19) VCF-style: chr5-38919117-G-A.
Other names: c.1538G>A, p.Gly513Asp (NM_001323505.2, NM_001323507.2); c.1541G>A, p.Gly514Asp (NM_001323506.2); short protein forms G513D, G514D.
Identifiers: ClinVar variation 802119 (VCV000802119.2), dbSNP rs202145435, ClinGen allele CA3244069.